The following is an entry in ClinVar:

NM_000454.5(SOD1):c.44T>C (p.Val15Ala)

Genes: SOD1-DT (SOD1 divergent transcript; minus strand), SOD1 (superoxide dismutase 1; plus strand). Cytogenetic location: 21q22.11.
Variant type: single nucleotide variant.
Coding change: c.44T>C on transcript NM_000454.5 (MANE Select); coding-DNA position 44, T replaced by C.
Protein change: p.Val15Ala; replaces valine 15 with alanine.
Molecular consequence: missense variant. On other transcripts: non-coding transcript variant (1).
Genome position (GRCh38, 1-based): chr21:31,659,813, T>C. VCF-style: chr21-31659813-T-C. GRCh37 (hg19) VCF-style: chr21-33032126-T-C.
Other names: short protein forms V15A.
Identifiers: ClinVar variation 4699222 (VCV004699222.1).

ClinVar aggregate classification (germline): Likely pathogenic (1 of 4 stars; one submission).

Conditions:
Amyotrophic lateral sclerosis type 1 (ALS1). Also called: AMYOTROPHIC LATERAL SCLEROSIS 1, FAMILIAL. Identifiers: Orphanet 803, MedGen C1862939, MONDO:0007103, OMIM 105400.

gnomAD v4.1: 6 of 1,613,724 alleles (0.00037%); highest among the groups gnomAD compares: East Asian, 0.011%; no homozygotes.

Submission:

Labcorp Genetics (formerly Invitae), Labcorp
Classification: Likely pathogenic for Amyotrophic lateral sclerosis type 1. Last evaluated: 2025-11-07. Review status: criteria provided, single submitter. Criteria: Invitae Variant Classification Sherloc (09022015). Collection method: clinical testing. Allele origin: germline.
Comment: This sequence change replaces valine, which is neutral and non-polar, with alanine, which is neutral and non-polar, at codon 15 of the SOD1 protein (p.Val15Ala). This variant is present in population databases (no rsID available, gnomAD 0.01%). This variant has not been reported in the literature in individuals affected with SOD1-related conditions. Invitae Evidence Modeling of protein sequence and biophysical properties (such as structural, functional, and spatial information, amino acid conservation, physicochemical variation, residue mobility, and thermodynamic stability) indicates that this missense variant is expected to disrupt SOD1 protein function with a positive predictive value of 95%. This variant disrupts the p.Val15 amino acid residue in SOD1. Other variant(s) that disrupt this residue have been determined to be pathogenic (PMID: 9365366; internal data). This suggests that this residue is clinically significant, and that variants that disrupt this residue are likely to be disease-causing. In summary, the currently available evidence indicates that the variant is pathogenic, but additional data are needed to prove that conclusively. Therefore, this variant has been classified as Likely Pathogenic.

Literature cited by the submitters: PubMed 9365366.